The following is an entry in ClinVar:

ClinVar aggregate classification (germline): Likely pathogenic (1 of 4 stars; one submission).

Conditions:
VPS13A-related neurodegenerative disease. Also called: LEVINE-CRITCHLEY SYNDROME; Choreoacanthocytosis; Chorea-acanthocytosis; ACANTHOCYTOSIS WITH NEUROLOGIC DISORDER; VPS13A Disease; Choreaacanthocytosis. Identifiers: Orphanet 2388, MedGen C0393576, MONDO:0008695, OMIM 200150.

Submission:

Natera, Inc.
Classification: Likely pathogenic for Choreaacanthocytosis. Last evaluated: 2025-12-02. Review status: criteria provided, single submitter. Criteria: Natera Variant Classification Schema (03/2026). Collection method: clinical testing. Allele origin: germline.
Comment: The c.6739del variant in VPS13A is a frameshift variant predicted to shift the reading frame beginning at codon 2247 and leads to a stop codon 17 codons downstream. This variant is expected to result in nonsense mediated decay, truncation, or a dysfunctional protein product. This variant is rare in the general population with a frequency below the threshold expected for the associated phenotype(s). Given the available evidence, this variant is classified as Likely Pathogenic.

NM_033305.3(VPS13A):c.6739del (p.Ser2247fs)

Gene: VPS13A (vacuolar protein sorting 13 homolog A; plus strand). Cytogenetic location: 9q21.2.
Variant type: Deletion.
Coding change: c.6739del on transcript NM_033305.3 (MANE Select); coding-DNA position 6739, one base deleted (T; older notation c.6739delT).
Protein change: p.Ser2247fs; shifts the reading frame from serine 2247.
Molecular consequence: frameshift variant.
Genome position (GRCh38, 1-based): chr9:77,339,876, T deleted; the last of 4 consecutive T bases (chr9:77,339,873-77,339,876); deleting any one gives the same sequence. VCF-style (leftmost placement, unchanged base first): chr9-77339872-CT-C. GRCh37 (hg19) VCF-style: chr9-79954788-CT-C.
Other names: c.6622del, p.Ser2208fs (NM_001018037.2); c.6739del, p.Ser2247fs (NM_001018038.3, NM_015186.4); short protein forms S2208fs, S2247fs.
Identifiers: ClinVar variation 4816415 (VCV004816415.1).